The following is an entry in ClinVar:

ClinVar aggregate classification (germline): Conflicting classifications of pathogenicity. Review status: criteria provided, conflicting classifications (1 of 4 stars). 5 submissions from 4 submitters: Uncertain significance (3); Benign (1); Likely benign (1). Last evaluated 2025-11-16.

Conditions:
Congenital afibrinogenemia. Identifiers: Orphanet 335, Orphanet 98880, MedGen C2584774, MONDO:0008737, OMIM 202400.
Inborn genetic diseases. Identifiers: MedGen C0950123, MeSH D030342.
Familial visceral amyloidosis, Ostertag type (AMYLD2). Also called: Ostertag type amyloidosis; Familial visceral amyloidosis; AMYLOIDOSIS, HEREDITARY SYSTEMIC 2; AMYLOIDOSIS VIII; Amyloidosis, hepatic and systemic; Hereditary Renal Amyloidosis. Identifiers: Orphanet 85450, MedGen C0268389, MONDO:0007099, OMIM 105200.

Allele frequency attached by ClinVar (database versions not stated): ExAC 0.00004; gnomAD 0.00006 and 0.00007; gnomAD exomes 0.00006; TOPMed 0.00012.

Submissions (5):

GeneDx
Classification: Uncertain significance. Last evaluated: 2025-11-16. Review status: criteria provided, single submitter. Criteria: GeneDx Variant Classification Process June 2021. Collection method: clinical testing. Allele origin: germline. Affected: yes.
Comment: In silico analysis supports that this missense variant has a deleterious effect on protein structure/function; Has not been previously published as pathogenic or benign to our knowledge

Ambry Genetics
Classification: Uncertain significance for Inborn genetic diseases. Last evaluated: 2025-08-04. Review status: criteria provided, single submitter. Criteria: Ambry Variant Classification Scheme 2023. Collection method: clinical testing. Allele origin: germline.

Blueprint Genetics
Classification: Likely benign. Last evaluated: 2023-12-21. Review status: criteria provided, single submitter. Criteria: ACMG Guidelines, 2015. Collection method: clinical testing. Allele origin: germline.

Illumina Laboratory Services, Illumina
Classification: Benign for Familial visceral amyloidosis, Ostertag type. Last evaluated: 2018-01-13. Review status: criteria provided, single submitter. Criteria: ICSL Variant Classification Criteria 13 December 2019. Collection method: clinical testing. Allele origin: germline.
Comment: This variant was observed in the ICSL laboratory as part of a predisposition screen in an ostensibly healthy population. It had not been previously curated by ICSL or reported in the Human Gene Mutation Database (HGMD: prior to June 1st, 2018), and was therefore a candidate for classification through an automated scoring system. Utilizing variant allele frequency, disease prevalence and penetrance estimates, and inheritance mode, an automated score was calculated to assess if this variant is too frequent to cause the disease. Based on the score and internal cut-off values, a variant classified as benign is not then subjected to further curation. The score for this variant resulted in a classification of benign for this disease.

Illumina Laboratory Services, Illumina
Classification: Uncertain significance for Congenital afibrinogenemia. Last evaluated: 2018-01-13. Review status: criteria provided, single submitter. Criteria: ICSL Variant Classification Criteria 13 December 2019. Collection method: clinical testing. Allele origin: germline.

NM_021871.4(FGA):c.1072G>A (p.Gly358Arg)

Gene: FGA (fibrinogen alpha chain; minus strand). Cytogenetic location: 4q31.3.
Variant type: single nucleotide variant.
Coding change: c.1072G>A on transcript NM_021871.4 (MANE Select); coding-DNA position 1072, G replaced by A.
Protein change: p.Gly358Arg; replaces glycine 358 with arginine.
Molecular consequence: missense variant.
Genome position (GRCh38, 1-based): chr4:154,586,357, C>T on the plus strand (G>A on the coding strand, the complement: FGA is on the minus strand). VCF-style: chr4-154586357-C-T. GRCh37 (hg19) VCF-style: chr4-155507509-C-T.
Other names: c.1072G>A, p.Gly358Arg (NM_000508.5); short protein forms G358R.
Identifiers: ClinVar variation 900484 (VCV000900484.10), dbSNP rs201105899, ClinGen allele CA3115156.